The following is an entry in ClinVar:

NM_025114.4(CEP290):c.1523G>A (p.Gly508Asp)

Gene: CEP290 (centrosomal protein 290; minus strand). Cytogenetic location: 12q21.32.
Variant type: single nucleotide variant.
Coding change: c.1523G>A on transcript NM_025114.4 (MANE Select); coding-DNA position 1523, G replaced by A.
Protein change: p.Gly508Asp; replaces glycine 508 with aspartic acid.
Molecular consequence: missense variant.
Genome position (GRCh38, 1-based): chr12:88,118,743, C>T on the plus strand (G>A on the coding strand, the complement: CEP290 is on the minus strand). VCF-style: chr12-88118743-C-T. GRCh37 (hg19) VCF-style: chr12-88512520-C-T.
Other names: short protein forms G508D.
Identifiers: ClinVar variation 1447832 (VCV001447832.3), dbSNP rs2039227577, ClinGen allele CA385979530.

ClinVar aggregate classification (germline): Uncertain significance (1 of 4 stars; one submission).

Conditions:
Nephronophthisis. Also called: Juvenile Nephronophthisis. Identifiers: Orphanet 655, MedGen C0687120, MONDO:0019005, HP:0000090.
Meckel-Gruber syndrome. Also called: DYSENCEPHALIA SPLANCHNOCYSTICA; GRUBER SYNDROME; Dysencephalia splachnocystica. Identifiers: Orphanet 564, MedGen C0265215, MONDO:0018921.
Joubert syndrome. Also called: CEREBELLOPARENCHYMAL DISORDER IV; JOUBERT-BOLTSHAUSER SYNDROME; Familial aplasia of the vermis. Identifiers: Orphanet 475, MedGen C5979921, MONDO:0018772.

Submission:

Labcorp Genetics (formerly Invitae), Labcorp
Classification: Uncertain significance for Joubert syndrome; Meckel-Gruber syndrome; Nephronophthisis. Last evaluated: 2022-08-15. Review status: criteria provided, single submitter. Criteria: Invitae Variant Classification Sherloc (09022015). Collection method: clinical testing. Allele origin: germline.
Comment: This sequence change replaces glycine, which is neutral and non-polar, with aspartic acid, which is acidic and polar, at codon 508 of the CEP290 protein (p.Gly508Asp). This variant is not present in population databases (gnomAD no frequency). This variant has not been reported in the literature in individuals affected with CEP290-related conditions. ClinVar contains an entry for this variant (Variation ID: 1447832). Algorithms developed to predict the effect of missense changes on protein structure and function are either unavailable or do not agree on the potential impact of this missense change (SIFT: "Tolerated"; PolyPhen-2: "Probably Damaging"; Align-GVGD: "Class C0"). Algorithms developed to predict the effect of sequence changes on RNA splicing suggest that this variant may disrupt the consensus splice site. In summary, the available evidence is currently insufficient to determine the role of this variant in disease. Therefore, it has been classified as a Variant of Uncertain Significance.